The following is an entry in ClinVar:

ClinVar aggregate classification (germline): Uncertain significance (1 of 4 stars; one submission).

Allele frequency attached by ClinVar (database versions not stated): gnomAD exomes below 0.00001.

Submission:

Labcorp Genetics (formerly Invitae), Labcorp
Classification: Uncertain significance. Last evaluated: 2023-12-25. Review status: criteria provided, single submitter. Criteria: Invitae Variant Classification Sherloc (09022015). Collection method: clinical testing. Allele origin: germline.
Comment: This sequence change replaces isoleucine, which is neutral and non-polar, with valine, which is neutral and non-polar, at codon 38 of the CLTC protein (p.Ile38Val). This variant is present in population databases (no rsID available, gnomAD 0.006%). This missense change has been observed in individual(s) with CLTC-related conditions (Invitae). Advanced modeling of protein sequence and biophysical properties (such as structural, functional, and spatial information, amino acid conservation, physicochemical variation, residue mobility, and thermodynamic stability) performed at Invitae indicates that this missense variant is not expected to disrupt CLTC protein function with a negative predictive value of 80%. In summary, the available evidence is currently insufficient to determine the role of this variant in disease. Therefore, it has been classified as a Variant of Uncertain Significance.

NM_004859.4(CLTC):c.112A>G (p.Ile38Val)

Gene: CLTC (clathrin heavy chain; plus strand). Cytogenetic location: 17q23.1.
Variant type: single nucleotide variant.
Coding change: c.112A>G on transcript NM_004859.4 (MANE Select); coding-DNA position 112, A replaced by G.
Protein change: p.Ile38Val; replaces isoleucine 38 with valine.
Molecular consequence: missense variant.
Genome position (GRCh38, 1-based): chr17:59,644,345, A>G. VCF-style: chr17-59644345-A-G. GRCh37 (hg19) VCF-style: chr17-57721706-A-G.
Other names: c.112A>G, p.Ile38Val (NM_001288653.2); short protein forms I38V.
Identifiers: ClinVar variation 2760364 (VCV002760364.3), dbSNP rs1396157861, ClinGen allele CA400418673.